The following is an entry in ClinVar:

ClinVar aggregate classification (germline): Uncertain significance (1 of 4 stars; one submission).

Conditions:
Epilepsy, familial adult myoclonic, 5 (EPEO5). Also called: CORTICAL MYOCLONIC TREMOR WITH EPILEPSY, FAMILIAL, 5. Identifiers: Orphanet 86814, MedGen C3809374, MONDO:0014167, OMIM 615400.

Submission:

Labcorp Genetics (formerly Invitae), Labcorp
Classification: Uncertain significance for Epilepsy, familial adult myoclonic, 5. Last evaluated: 2022-03-13. Review status: criteria provided, single submitter. Criteria: Invitae Variant Classification Sherloc (09022015). Collection method: clinical testing. Allele origin: germline.
Comment: In summary, the available evidence is currently insufficient to determine the role of this variant in disease. Therefore, it has been classified as a Variant of Uncertain Significance. This sequence change replaces glycine, which is neutral and non-polar, with alanine, which is neutral and non-polar, at codon 917 of the CNTN2 protein (p.Gly917Ala). This variant is not present in population databases (gnomAD no frequency). This variant has not been reported in the literature in individuals affected with CNTN2-related conditions. Advanced modeling of protein sequence and biophysical properties (such as structural, functional, and spatial information, amino acid conservation, physicochemical variation, residue mobility, and thermodynamic stability) performed at Invitae indicates that this missense variant is not expected to disrupt CNTN2 protein function.

NM_005076.5(CNTN2):c.2750G>C (p.Gly917Ala)

Genes: CNTN2 (contactin 2; plus strand), LOC126805985 (MED14-independent group 3 enhancer GRCh37_chr1:205041546-205042745; plus strand). Cytogenetic location: 1q32.1.
Variant type: single nucleotide variant.
Coding change: c.2750G>C on transcript NM_005076.5 (MANE Select); coding-DNA position 2750, G replaced by C.
Protein change: p.Gly917Ala; replaces glycine 917 with alanine.
Molecular consequence: missense variant. On other transcripts: non-coding transcript variant (1).
Genome position (GRCh38, 1-based): chr1:205,072,501, G>C. VCF-style: chr1-205072501-G-C. GRCh37 (hg19) VCF-style: chr1-205041629-G-C.
Other names: c.2750G>C, p.Gly917Ala (NM_001346083.2); short protein forms G917A.
Identifiers: ClinVar variation 2111298 (VCV002111298.4), dbSNP rs2526426990, ClinGen allele CA344382347.